The following is an entry in ClinVar:

NM_005515.4(MNX1):c.22del (p.Arg8fs)

Gene: MNX1 (motor neuron and pancreas homeobox 1; minus strand). Cytogenetic location: 7q36.3.
Variant type: Deletion.
Coding change: c.22del on transcript NM_005515.4 (MANE Select); coding-DNA position 22, one base deleted (C; older notation c.22delC).
Protein change: p.Arg8fs; shifts the reading frame from arginine 8.
Molecular consequence: frameshift variant.
Genome position (GRCh38, 1-based): chr7:157,010,329, G deleted on the plus strand (C on the coding strand, the reverse complement: MNX1 is on the minus strand); the first of 2 consecutive G bases (chr7:157,010,329-157,010,330); deleting either gives the same sequence. VCF-style (leftmost placement, unchanged base first): chr7-157010328-CG-C. GRCh37 (hg19) VCF-style: chr7-156803022-CG-C.
Other names: short protein forms R8fs.
Identifiers: ClinVar variation 3653129 (VCV003653129.2).

ClinVar aggregate classification (germline): Pathogenic (1 of 4 stars; one submission).

Submission:

Labcorp Genetics (formerly Invitae), Labcorp
Classification: Pathogenic. Last evaluated: 2024-05-12. Review status: criteria provided, single submitter. Criteria: Invitae Variant Classification Sherloc (09022015). Collection method: clinical testing. Allele origin: germline.
Comment: This sequence change creates a premature translational stop signal (p.Arg8Alafs*214) in the MNX1 gene. It is expected to result in an absent or disrupted protein product. Loss-of-function variants in MNX1 are known to be pathogenic (PMID: 10631160, 10749657, 16254195, 24095820). This variant is not present in population databases (gnomAD no frequency). This variant has not been reported in the literature in individuals affected with MNX1-related conditions. For these reasons, this variant has been classified as Pathogenic.

Literature cited by the submitters: PubMed 10631160; PubMed 10749657; PubMed 16254195; PubMed 24095820.